The following is an entry in ClinVar:

NM_002016.2(FLG):c.1524G>A (p.Ala508=)

Genes: CCDST (cervical cancer associated DHX9 suppressive transcript; plus strand), FLG (filaggrin; minus strand). Cytogenetic location: 1q21.3.
Variant type: single nucleotide variant.
Coding change: c.1524G>A on transcript NM_002016.2 (MANE Select); coding-DNA position 1524, G replaced by A.
Protein change: p.Ala508=; no amino-acid change (alanine 508 retained).
Molecular consequence: synonymous variant.
Genome position (GRCh38, 1-based): chr1:152,313,362, C>T on the plus strand (G>A on the coding strand, the complement: FLG is on the minus strand). VCF-style: chr1-152313362-C-T. GRCh37 (hg19) VCF-style: chr1-152285838-C-T.
Identifiers: ClinVar variation 2639319 (VCV002639319.25), dbSNP rs148161383, ClinGen allele CA1107592.

ClinVar aggregate classification (germline): Likely benign. Review status: criteria provided, multiple submitters, no conflicts (2 of 4 stars). 2 submissions from 2 submitters: Likely benign (2). Last evaluated 2025-02-01.

Allele frequency attached by ClinVar (database versions not stated): ESP Exome Variant Server 0.00008; ExAC 0.00011.

Submissions (2):

CeGaT Center for Human Genetics Tuebingen
Classification: Likely benign. Last evaluated: 2025-02-01. Review status: criteria provided, single submitter. Criteria: CeGaT Center For Human Genetics Tuebingen Variant Classification Criteria Version 2. Collection method: clinical testing. Allele origin: germline. Affected: yes. Observed: 2 variant alleles.
Comment: FLG: BP4, BP7

Blueprint Genetics
Classification: Likely benign. Last evaluated: 2024-11-15. Review status: criteria provided, single submitter. Criteria: ACMG Guidelines, 2015. Collection method: clinical testing. Allele origin: germline.